The following is an entry in ClinVar:

ClinVar aggregate classification (germline): Conflicting classifications of pathogenicity. Review status: criteria provided, conflicting classifications (1 of 4 stars). 12 submissions from 11 submitters: Uncertain significance (1); Benign (4); Likely benign (6). 1 of the submissions does not count toward it. Last evaluated 2026-08-01.

Conditions:
FH-related disorder. Also called: FH-related disorders; FH-related condition.
Hereditary cancer-predisposing syndrome. Also called: Hereditary neoplastic syndrome; Hereditary Cancer Syndrome; Neoplastic Syndromes, Hereditary; Tumor predisposition. Identifiers: Orphanet 140162, MedGen C0027672, MeSH D009386, MONDO:0015356.
Hereditary leiomyomatosis and renal cell cancer. Also called: MULTIPLE CUTANEOUS AND UTERINE LEIOMYOMATA 1, WITH OR WITHOUT RENAL CELL CARCINOMA; Familial leiomyomatosis; FH tumor predisposition syndrome; LEIOMYOMA, MULTIPLE CUTANEOUS; Multiple cutaneous leiomyomas; Reed syndrome. Identifiers: Orphanet 523, MedGen C1708350, MONDO:0007888, OMIM 150800, HP:0007437. Disease mechanism: loss of function.
Fumarase deficiency (FMRD). Also called: Fumaric aciduria; Fumarate Hydratase Deficiency. Identifiers: Orphanet 24, MedGen C0342770, MONDO:0011730, OMIM 606812.

Allele frequency attached by ClinVar (database versions not stated): gnomAD exomes 0.00002 and 0.00008; gnomAD 0.00004 and 0.00005; ExAC 0.00008; TOPMed 0.00012.
gnomAD v4.1: 30 of 1,613,218 alleles (0.0019%); highest among the groups gnomAD compares: East Asian, 0.065%; no homozygotes.

Submissions (12):

CeGaT Center for Human Genetics Tuebingen
Classification: Likely benign. Last evaluated: 2026-08-01. Review status: criteria provided, single submitter. Criteria: CeGaT Center For Human Genetics Tuebingen Variant Classification Criteria Version 2. Collection method: clinical testing. Allele origin: germline. Affected: yes. Observed: 1 variant allele.
Comment: FH: BP4, BP7

Women's Health and Genetics/Laboratory Corporation of America, LabCorp
Classification: Benign. Last evaluated: 2026-06-19. Review status: criteria provided, single submitter. Criteria: LabCorp Variant Classification Summary - May 2015. Collection method: clinical testing. Allele origin: germline.

Labcorp Genetics (formerly Invitae), Labcorp
Classification: Likely benign. Last evaluated: 2026-01-27. Review status: criteria provided, single submitter. Criteria: Invitae Variant Classification Sherloc (09022015). Collection method: clinical testing. Allele origin: germline.

Center for Genomic Medicine, Rigshospitalet, Copenhagen University Hospital
Classification: Likely benign. Last evaluated: 2025-03-04. Review status: criteria provided, single submitter. Criteria: ACMG Guidelines, 2015. Collection method: clinical testing. Allele origin: germline.

Myriad Genetics, Inc.
Classification: Benign for Hereditary leiomyomatosis and renal cell cancer. Last evaluated: 2024-10-22. Review status: criteria provided, single submitter. Criteria: Myriad Autosomal Dominant, Autosomal Recessive and X-Linked Classification Criteria (2023). Collection method: clinical testing. Allele origin: unknown.
Comment: This variant is considered benign. This variant is a silent/synonymous amino acid change and it is not expected to impact splicing.

Blueprint Genetics
Classification: Likely benign. Last evaluated: 2024-05-29. Review status: criteria provided, single submitter. Criteria: ACMG Guidelines, 2015. Collection method: clinical testing. Allele origin: germline.

Sema4
Classification: Benign for Hereditary cancer-predisposing syndrome. Last evaluated: 2020-12-31. Review status: criteria provided, single submitter. Criteria: Sema4 Curation Guidelines. Collection method: curation. Allele origin: germline.

GeneDx
Classification: Likely benign. Last evaluated: 2019-06-03. Review status: criteria provided, single submitter. Criteria: GeneDx Variant Classification Process June 2021. Collection method: clinical testing. Allele origin: germline. Affected: yes.

Illumina Laboratory Services, Illumina
Classification: Benign for Hereditary leiomyomatosis and renal cell cancer. Last evaluated: 2018-01-13. Review status: criteria provided, single submitter. Criteria: ICSL Variant Classification Criteria 13 December 2019. Collection method: clinical testing. Allele origin: germline.
Comment: This variant was observed in the ICSL laboratory as part of a predisposition screen in an ostensibly healthy population. It had not been previously curated by ICSL or reported in the Human Gene Mutation Database (HGMD: prior to June 1st, 2018), and was therefore a candidate for classification through an automated scoring system. Utilizing variant allele frequency, disease prevalence and penetrance estimates, and inheritance mode, an automated score was calculated to assess if this variant is too frequent to cause the disease. Based on the score and internal cut-off values, a variant classified as benign is not then subjected to further curation. The score for this variant resulted in a classification of benign for this disease.

Illumina Laboratory Services, Illumina
Classification: Uncertain significance for Fumarase deficiency. Last evaluated: 2018-01-13. Review status: criteria provided, single submitter. Criteria: ICSL Variant Classification Criteria 13 December 2019. Collection method: clinical testing. Allele origin: germline.

Ambry Genetics
Classification: Likely benign for Hereditary cancer-predisposing syndrome. Last evaluated: 2017-12-20. Review status: criteria provided, single submitter. Criteria: Ambry Variant Classification Scheme 2023. Collection method: clinical testing. Allele origin: germline.

PreventionGenetics, part of Exact Sciences
Classification: Likely benign for FH-related condition. Last evaluated: 2022-09-28. Review status: no assertion criteria provided. Collection method: clinical testing. Allele origin: germline. Not counted in ClinVar's aggregate classification.
Comment: This variant is classified as likely benign based on ACMG/AMP sequence variant interpretation guidelines (Richards et al. 2015 PMID: 25741868, with internal and published modifications).

NM_000143.4(FH):c.1482A>G (p.Ala494=)

Gene: FH (fumarate hydratase; minus strand). Cytogenetic location: 1q43.
Variant type: single nucleotide variant.
Coding change: c.1482A>G on transcript NM_000143.4 (MANE Select); coding-DNA position 1482, A replaced by G.
Protein change: p.Ala494=; no amino-acid change (alanine 494 retained).
Molecular consequence: synonymous variant.
Genome position (GRCh38, 1-based): chr1:241,497,879, T>C on the plus strand (A>G on the coding strand, the complement: FH is on the minus strand). VCF-style: chr1-241497879-T-C. GRCh37 (hg19) VCF-style: chr1-241661179-T-C.
Identifiers: ClinVar variation 237111 (VCV000237111.38), dbSNP rs201559643, ClinGen allele CA1478427.